The following is an entry in ClinVar:

ClinVar aggregate classification (germline): Uncertain significance. Review status: criteria provided, multiple submitters, no conflicts (2 of 4 stars). 2 submissions from 2 submitters: Uncertain significance (2). Last evaluated 2025-03-10.

Conditions:
Inborn genetic diseases. Identifiers: MedGen C0950123, MeSH D030342.

gnomAD v4.1: 2 of 1,613,920 alleles (0.00012%); highest among the groups gnomAD compares: Non-Finnish European, 0.00017%; no homozygotes.

Submissions (2):

Ambry Genetics
Classification: Uncertain significance for Inborn genetic diseases. Last evaluated: 2025-03-10. Review status: criteria provided, single submitter. Criteria: Ambry Variant Classification Scheme 2023. Collection method: clinical testing. Allele origin: germline.
Comment: The p.T534A variant (also known as c.1600A>G), located in coding exon 15 of the DDX41 gene, results from an A to G substitution at nucleotide position 1600. The threonine at codon 534 is replaced by alanine, an amino acid with similar properties. This amino acid position is conserved. In addition, this alteration is predicted to be deleterious by in silico analysis. Based on the available evidence, the clinical significance of this variant remains unclear.

Blueprint Genetics
Classification: Uncertain significance. Last evaluated: 2024-08-26. Review status: criteria provided, single submitter. Criteria: ACMG Guidelines, 2015. Collection method: clinical testing. Allele origin: germline.

NM_016222.4(DDX41):c.1600A>G (p.Thr534Ala)

Gene: DDX41 (DEAD-box helicase 41; minus strand). Cytogenetic location: 5q35.3.
Variant type: single nucleotide variant.
Coding change: c.1600A>G on transcript NM_016222.4 (MANE Select); coding-DNA position 1600, A replaced by G.
Protein change: p.Thr534Ala; replaces threonine 534 with alanine.
Molecular consequence: missense variant.
Genome position (GRCh38, 1-based): chr5:177,512,343, T>C on the plus strand (A>G on the coding strand, the complement: DDX41 is on the minus strand). VCF-style: chr5-177512343-T-C. GRCh37 (hg19) VCF-style: chr5-176939344-T-C.
Other names: c.1222A>G, p.Thr408Ala (NM_001321732.2, NM_001321830.2); short protein forms T534A, T408A.
Identifiers: ClinVar variation 3839078 (VCV003839078.2).